The following is an entry in ClinVar:

ClinVar aggregate classification (germline): Uncertain significance (1 of 4 stars; one submission).

Conditions:
Dyskeratosis congenita, autosomal recessive 5 (DKCB5). Identifiers: MedGen C3554656, MONDO:0014076, OMIM 615190.
Pulmonary fibrosis and/or bone marrow failure, Telomere-related, 3. Also called: PULMONARY FIBROSIS AND/OR BONE MARROW FAILURE SYNDROME, TELOMERE-RELATED, 3. Identifiers: Orphanet 2032, MedGen C4225346, MONDO:0014613, OMIM 616373.

Submission:

Labcorp Genetics (formerly Invitae), Labcorp
Classification: Uncertain significance for Dyskeratosis congenita, autosomal recessive 5; Pulmonary fibrosis and/or bone marrow failure, Telomere-related, 3. Last evaluated: 2025-07-14. Review status: criteria provided, single submitter. Criteria: Invitae Variant Classification Sherloc (09022015). Collection method: clinical testing. Allele origin: germline.
Comment: This sequence change replaces serine, which is neutral and polar, with glycine, which is neutral and non-polar, at codon 767 of the RTEL1 protein (p.Ser767Gly). This variant is not present in population databases (gnomAD no frequency). This variant has not been reported in the literature in individuals affected with RTEL1-related conditions. An algorithm developed to predict the effect of missense changes on protein structure and function outputs the following: PolyPhen-2: "Benign". The glycine amino acid residue is found in multiple mammalian species, which suggests that this missense change does not adversely affect protein function. In summary, the available evidence is currently insufficient to determine the role of this variant in disease. Therefore, it has been classified as a Variant of Uncertain Significance.

NM_001283009.2(RTEL1):c.2299A>G (p.Ser767Gly)

Genes: RTEL1 (regulator of telomere elongation helicase 1; plus strand), RTEL1-TNFRSF6B (RTEL1-TNFRSF6B readthrough (NMD candidate); plus strand). Cytogenetic location: 20q13.33.
Variant type: single nucleotide variant.
Coding change: c.2299A>G on transcript NM_001283009.2 (MANE Select); coding-DNA position 2299, A replaced by G.
Protein change: p.Ser767Gly; replaces serine 767 with glycine.
Molecular consequence: missense variant. On other transcripts: non-coding transcript variant (1).
Genome position (GRCh38, 1-based): chr20:63,690,327, A>G. VCF-style: chr20-63690327-A-G. GRCh37 (hg19) VCF-style: chr20-62321680-A-G.
Other names: c.1630A>G, p.Ser544Gly (NM_001283010.1); c.2299A>G, p.Ser767Gly (NM_016434.4); c.2371A>G, p.Ser791Gly (NM_032957.5); short protein forms S544G, S767G, S791G.
Identifiers: ClinVar variation 4791126 (VCV004791126.1).
Genomic context (GRCh38, chr20:63,690,327, plus strand): 5'-GGTCCACCCACCCCCATGGTTCTGCAGATGCCAGCGCCGGCCCCCCGGGCTACAGCACCC[A>G]GTGTGCGTGGAGAAGATGCTGTCAGCGAGGCCAAGTCGCCTGGCCCCTTCTTCTCCACCA-3'
Protein context (NP_001269938.1, residues 757-777): PAPAPRATAP[Ser767Gly]VRGEDAVSEA